The following is an entry in ClinVar:

NM_172107.4(KCNQ2):c.2114dup (p.Ala706fs)

Gene: KCNQ2 (potassium voltage-gated channel subfamily Q member 2; minus strand). Cytogenetic location: 20q13.33.
Variant type: Duplication.
Coding change: c.2114dup on transcript NM_172107.4 (MANE Select); coding-DNA position 2114, one base duplicated (C; older notation c.2114dupC).
Protein change: p.Ala706fs; shifts the reading frame from alanine 706.
Molecular consequence: frameshift variant.
Genome position (GRCh38, 1-based): chr20:63,407,149, G duplicated on the plus strand (C on the coding strand, the reverse complement: KCNQ2 is on the minus strand); the first of 5 consecutive G bases (chr20:63,407,149-63,407,153); duplicating any one gives the same sequence. VCF-style (leftmost placement, unchanged base first): chr20-63407148-C-CG. GRCh37 (hg19) VCF-style: chr20-62038501-C-CG.
Other names: c.2168dup, p.Ala724fs (NM_001382235.1); c.2030dup, p.Ala678fs (NM_004518.6); c.2060dup, p.Ala688fs (NM_172106.3); c.2021dup, p.Ala675fs (NM_172108.5); c.2114dup (NM_172107.2); c.2114dupC (NM_172107.3); short protein forms A675fs, A678fs, A688fs, A706fs, A724fs.
Identifiers: ClinVar variation 1196988 (VCV001196988.5), dbSNP rs1555850868, ClinGen allele CA2499225801.

ClinVar aggregate classification (germline): Pathogenic. Review status: criteria provided, single submitter (1 of 4 stars). 2 submissions from 2 submitters: Pathogenic (1). 1 of the submissions does not count toward it. Last evaluated 2025-12-02.

Conditions:
KCNQ2-Related Disorders. Also called: KCNQ2-related condition; KCNQ2-related disorder. Identifiers: MedGen CN169299.

Submissions (2):

GeneDx
Classification: Pathogenic. Last evaluated: 2025-12-02. Review status: criteria provided, single submitter. Criteria: GeneDx Variant Classification Process June 2021. Collection method: clinical testing. Allele origin: germline. Affected: yes.
Comment: Frameshift variant predicted to result in abnormal protein length as the last 167 amino acid(s) are replaced with 158 different amino acid(s), and other similar variants have been reported in HGMD; Not observed at significant frequency in large population cohorts (gnomAD); Has not been previously published as pathogenic or benign to our knowledge

PreventionGenetics, part of Exact Sciences
Classification: Pathogenic for KCNQ2-related condition. Last evaluated: 2024-03-15. Review status: no assertion criteria provided. Collection method: clinical testing. Allele origin: germline. Not counted in ClinVar's aggregate classification.
Comment: The KCNQ2 c.2114dupC variant is predicted to result in a frameshift and premature protein termination (p.Ala706Glyfs*159). To our knowledge, this variant has not been reported in the literature or in a large population database, indicating it is rare. Frameshift variants in KCNQ2 are expected to be pathogenic, and several similar C-terminal frameshifts have been associated with disease in the literature (HGMD) and classified as likely pathogenic or pathogenic in ClinVar. This variant is interpreted as pathogenic.